The following is an entry in ClinVar:

NM_173500.4(TTBK2):c.3251C>T (p.Thr1084Met)

Gene: TTBK2 (tau tubulin kinase 2; minus strand). Cytogenetic location: 15q15.2.
Variant type: single nucleotide variant.
Coding change: c.3251C>T on transcript NM_173500.4 (MANE Select); coding-DNA position 3251, C replaced by T.
Protein change: p.Thr1084Met; replaces threonine 1084 with methionine.
Molecular consequence: missense variant.
Genome position (GRCh38, 1-based): chr15:42,751,995, G>A on the plus strand (C>T on the coding strand, the complement: TTBK2 is on the minus strand). VCF-style: chr15-42751995-G-A. GRCh37 (hg19) VCF-style: chr15-43044193-G-A.
Other names: short protein forms T1084M.
Identifiers: ClinVar variation 315979 (VCV000315979.14), dbSNP rs34348991, ClinGen allele CA7516621.

ClinVar aggregate classification (germline): Benign. Review status: criteria provided, multiple submitters, no conflicts (2 of 4 stars). 6 submissions from 6 submitters: Benign (6). Last evaluated 2026-01-27.

Conditions:
Spinocerebellar ataxia type 11 (SCA11). Identifiers: Orphanet 98767, MedGen C1858351, MONDO:0011464, OMIM 604432.

Allele frequency attached by ClinVar (database versions not stated): gnomAD exomes 0.00833 and 0.02149; ExAC 0.02285; ESP Exome Variant Server 0.02791; gnomAD 0.02971 and 0.03050; TOPMed 0.03327; 1000 Genomes Project 30x 0.05996; 1000 Genomes Project 0.06290.
gnomAD v4.1: 17,398 of 1,614,136 alleles (1.1%); highest among the groups gnomAD compares: East Asian, 11%; 695 homozygotes.

Submissions (6):

Labcorp Genetics (formerly Invitae), Labcorp
Classification: Benign. Last evaluated: 2026-01-27. Review status: criteria provided, single submitter. Criteria: Invitae Variant Classification Sherloc (09022015). Collection method: clinical testing. Allele origin: germline.

Athena Diagnostics
Classification: Benign. Last evaluated: 2023-12-13. Review status: criteria provided, single submitter. Criteria: Athena Diagnostics Criteria. Collection method: clinical testing. Allele origin: unknown.

Mayo Clinic Laboratories, Mayo Clinic
Classification: Benign. Last evaluated: 2022-03-23. Review status: criteria provided, single submitter. Criteria: ACMG Guidelines, 2015. Collection method: clinical testing. Allele origin: germline. Observed: 12 variant alleles.

GeneDx
Classification: Benign. Last evaluated: 2021-05-05. Review status: criteria provided, single submitter. Criteria: GeneDx Variant Classification Process June 2021. Collection method: clinical testing. Allele origin: germline. Affected: yes.

Illumina Laboratory Services, Illumina
Classification: Benign for Spinocerebellar ataxia type 11. Last evaluated: 2018-01-13. Review status: criteria provided, single submitter. Criteria: ICSL Variant Classification Criteria 13 December 2019. Collection method: clinical testing. Allele origin: germline.
Comment: This variant was observed in the ICSL laboratory as part of a predisposition screen in an ostensibly healthy population. It had not been previously curated by ICSL or reported in the Human Gene Mutation Database (HGMD: prior to June 1st, 2018), and was therefore a candidate for classification through an automated scoring system. Utilizing variant allele frequency, disease prevalence and penetrance estimates, and inheritance mode, an automated score was calculated to assess if this variant is too frequent to cause the disease. Based on the score and internal cut-off values, a variant classified as benign is not then subjected to further curation. The score for this variant resulted in a classification of benign for this disease.

Breakthrough Genomics
Classification: Benign. Review status: criteria provided, single submitter. Criteria: ACMG Guidelines, 2015. Collection method: not provided. Allele origin: germline. Inheritance: Autosomal dominant inheritance. Affected: yes.